The following is an entry in ClinVar:

ClinVar aggregate classification (germline): Uncertain significance (1 of 4 stars; one submission).

Conditions:
Arrhythmogenic right ventricular dysplasia 9 (ARVD9). Also called: Arrhythmogenic Right Ventricular Dysplasia/Cardiomyopathy 9; ARRHYTHMOGENIC RIGHT VENTRICULAR DYSPLASIA, FAMILIAL, 9. Identifiers: MedGen C1836906, MONDO:0012180, OMIM 609040.

Submission:

Labcorp Genetics (formerly Invitae), Labcorp
Classification: Uncertain significance for Arrhythmogenic right ventricular dysplasia 9. Last evaluated: 2024-05-05. Review status: criteria provided, single submitter. Criteria: Invitae Variant Classification Sherloc (09022015). Collection method: clinical testing. Allele origin: germline.
Comment: This sequence change replaces asparagine, which is neutral and polar, with serine, which is neutral and polar, at codon 708 of the PKP2 protein (p.Asn708Ser). This variant is not present in population databases (gnomAD no frequency). This variant has not been reported in the literature in individuals affected with PKP2-related conditions. An algorithm developed to predict the effect of missense changes on protein structure and function (PolyPhen-2) suggests that this variant is likely to be disruptive. In summary, the available evidence is currently insufficient to determine the role of this variant in disease. Therefore, it has been classified as a Variant of Uncertain Significance.

NM_001005242.3(PKP2):c.1991A>G (p.Asn664Ser)

Gene: PKP2 (plakophilin 2; minus strand). Cytogenetic location: 12p11.21.
Variant type: single nucleotide variant.
Coding change: c.1991A>G on transcript NM_001005242.3 (MANE Select); coding-DNA position 1991, A replaced by G.
Protein change: p.Asn664Ser; replaces asparagine 664 with serine.
Molecular consequence: missense variant.
Genome position (GRCh38, 1-based): chr12:32,821,378, T>C on the plus strand (A>G on the coding strand, the complement: PKP2 is on the minus strand). VCF-style: chr12-32821378-T-C. GRCh37 (hg19) VCF-style: chr12-32974312-T-C.
Other names: c.1991A>G, p.Asn664Ser (NM_001407155.1, NM_001407161.1); c.1826A>G, p.Asn609Ser (NM_001407156.1); c.2123A>G, p.Asn708Ser (NM_001407157.1, NM_004572.4); c.1664A>G, p.Asn555Ser (NM_001407158.1, NM_001407159.1, NM_001407160.1 and 1 more transcripts); short protein forms N555S, N708S, N664S, N609S.
Identifiers: ClinVar variation 3652196 (VCV003652196.2).